The following is an entry in ClinVar:

ClinVar aggregate classification (germline): Uncertain significance (1 of 4 stars; one submission).

Conditions:
POMC-related disorder. Also called: POMC-related condition; POMC-related disorders.

Submission:

PreventionGenetics, part of Exact Sciences
Classification: Uncertain significance for POMC-related condition. Last evaluated: 2026-04-13. Review status: criteria provided, single submitter. Criteria: ACMG Guidelines, 2015. Collection method: clinical testing. Allele origin: germline.
Comment: The POMC c.223C>G variant is predicted to result in the amino acid substitution p.Arg75Gly. This variant has been reported in a study of individuals with monogenic obesity and a review of variant classifications. This variant was interpreted as uncertain before and after the variant reclassification analysis in that study (Morandi et al. 2024. PubMed ID: 39462520). This variant has not been reported in a large population database (gnomAD), indicating this variant is rare. At this time, the clinical significance of this variant is uncertain due to the absence of conclusive functional and genetic evidence.

NM_000939.4(POMC):c.223C>G (p.Arg75Gly)

Gene: POMC (proopiomelanocortin; minus strand). Cytogenetic location: 2p23.3.
Variant type: single nucleotide variant.
Coding change: c.223C>G on transcript NM_000939.4 (MANE Select); coding-DNA position 223, C replaced by G.
Protein change: p.Arg75Gly; replaces arginine 75 with glycine.
Molecular consequence: missense variant.
Genome position (GRCh38, 1-based): chr2:25,161,662, G>C on the plus strand (C>G on the coding strand, the complement: POMC is on the minus strand). VCF-style: chr2-25161662-G-C. GRCh37 (hg19) VCF-style: chr2-25384531-G-C.
Other names: c.223C>G, p.Arg75Gly (NM_001035256.3, NM_001319204.2, NM_001319205.2); short protein forms R75G.
Identifiers: ClinVar variation 4993285 (VCV004993285.1).
Genomic context (GRCh38, chr2:25,161,662, plus strand): 5'-TGCTGCTGCTGTTGCGGCGGCCGAATCGGTCCCAGCGGAAGTGGCCCATGACGTACTTCC[G>C]GGGGTTCTCGGTCAGAGGCTGCTCGTCGCCATTTCCCGGGAACATGGGAGTCTCGGCCGA-3'
Protein context (NP_000930.1, residues 65-85): GDEQPLTENP[Arg75Gly]KYVMGHFRWD